The following continues an entry in ClinVar:

NM_001077365.2(POMT1):c.1826-7C>A

Gene: POMT1. ClinVar aggregate classification (germline): Benign/Likely benign. Benign (8); Likely benign (3).

Submissions 27 to 50 of 50:

Dr. Peter K. Rogan Lab, Western University
No classification provided (evidence only). Condition: Acute myeloid leukemia. Review status: no classification provided. Collection method: in vitro. Allele origin: not applicable. Functional consequence: retained intron. Not counted in ClinVar's aggregate classification.

Dr. Peter K. Rogan Lab, Western University
No classification provided (evidence only). Condition: Uterine corpus endometrial carcinoma. Review status: no classification provided. Collection method: in vitro. Allele origin: not applicable. Functional consequence: retained intron. Not counted in ClinVar's aggregate classification.

Dr. Peter K. Rogan Lab, Western University
No classification provided (evidence only). Condition: Cervical cancer. Review status: no classification provided. Collection method: in vitro. Allele origin: not applicable. Functional consequence: retained intron. Not counted in ClinVar's aggregate classification.

Dr. Peter K. Rogan Lab, Western University
No classification provided (evidence only). Condition: Cervical cancer. Review status: no classification provided. Collection method: in vitro. Allele origin: not applicable. Functional consequence: retained intron. Not counted in ClinVar's aggregate classification.

Dr. Peter K. Rogan Lab, Western University
No classification provided (evidence only). Condition: Cervical cancer. Review status: no classification provided. Collection method: in vitro. Allele origin: not applicable. Functional consequence: retained intron. Not counted in ClinVar's aggregate classification.

Dr. Peter K. Rogan Lab, Western University
No classification provided (evidence only). Condition: Cervical cancer. Review status: no classification provided. Collection method: in vitro. Allele origin: not applicable. Functional consequence: retained intron. Not counted in ClinVar's aggregate classification.

Dr. Peter K. Rogan Lab, Western University
No classification provided (evidence only). Condition: Sarcoma. Review status: no classification provided. Collection method: in vitro. Allele origin: not applicable. Functional consequence: skipped exon, retained intron. Not counted in ClinVar's aggregate classification.

Dr. Peter K. Rogan Lab, Western University
No classification provided (evidence only). Condition: Sarcoma. Review status: no classification provided. Collection method: in vitro. Allele origin: not applicable. Functional consequence: retained intron. Not counted in ClinVar's aggregate classification.

Dr. Peter K. Rogan Lab, Western University
No classification provided (evidence only). Condition: Sarcoma. Review status: no classification provided. Collection method: in vitro. Allele origin: not applicable. Functional consequence: retained intron. Not counted in ClinVar's aggregate classification.

Dr. Peter K. Rogan Lab, Western University
No classification provided (evidence only). Condition: Sarcoma. Review status: no classification provided. Collection method: in vitro. Allele origin: not applicable. Functional consequence: retained intron. Not counted in ClinVar's aggregate classification.

Dr. Peter K. Rogan Lab, Western University
No classification provided (evidence only). Condition: Sarcoma. Review status: no classification provided. Collection method: in vitro. Allele origin: not applicable. Functional consequence: retained intron. Not counted in ClinVar's aggregate classification.

Dr. Peter K. Rogan Lab, Western University
No classification provided (evidence only). Condition: Thymoma. Review status: no classification provided. Collection method: in vitro. Allele origin: not applicable. Functional consequence: retained intron. Not counted in ClinVar's aggregate classification.

Dr. Peter K. Rogan Lab, Western University
No classification provided (evidence only). Condition: Ovarian serous cystadenocarcinoma. Review status: no classification provided. Collection method: in vitro. Allele origin: not applicable. Functional consequence: retained intron. Not counted in ClinVar's aggregate classification.

Dr. Peter K. Rogan Lab, Western University
No classification provided (evidence only). Condition: Ovarian serous cystadenocarcinoma. Review status: no classification provided. Collection method: in vitro. Allele origin: not applicable. Functional consequence: retained intron. Not counted in ClinVar's aggregate classification.

Dr. Peter K. Rogan Lab, Western University
No classification provided (evidence only). Condition: Ovarian serous cystadenocarcinoma. Review status: no classification provided. Collection method: in vitro. Allele origin: not applicable. Functional consequence: retained intron. Not counted in ClinVar's aggregate classification.

Dr. Peter K. Rogan Lab, Western University
No classification provided (evidence only). Condition: Ovarian serous cystadenocarcinoma. Review status: no classification provided. Collection method: in vitro. Allele origin: not applicable. Functional consequence: retained intron. Not counted in ClinVar's aggregate classification.

Dr. Peter K. Rogan Lab, Western University
No classification provided (evidence only). Condition: Ovarian serous cystadenocarcinoma. Review status: no classification provided. Collection method: in vitro. Allele origin: not applicable. Functional consequence: retained intron. Not counted in ClinVar's aggregate classification.

Dr. Peter K. Rogan Lab, Western University
No classification provided (evidence only). Condition: Gastric cancer. Review status: no classification provided. Collection method: in vitro. Allele origin: not applicable. Functional consequence: retained intron. Not counted in ClinVar's aggregate classification.

Dr. Peter K. Rogan Lab, Western University
No classification provided (evidence only). Condition: Malignant tumor of esophagus. Review status: no classification provided. Collection method: in vitro. Allele origin: not applicable. Functional consequence: skipped exon, retained intron. Not counted in ClinVar's aggregate classification.

Dr. Peter K. Rogan Lab, Western University
No classification provided (evidence only). Condition: Malignant tumor of esophagus. Review status: no classification provided. Collection method: in vitro. Allele origin: not applicable. Functional consequence: retained intron. Not counted in ClinVar's aggregate classification.

Dr. Peter K. Rogan Lab, Western University
No classification provided (evidence only). Condition: Nonpapillary renal cell carcinoma. Review status: no classification provided. Collection method: in vitro. Allele origin: not applicable. Functional consequence: retained intron. Not counted in ClinVar's aggregate classification.

Dr. Peter K. Rogan Lab, Western University
No classification provided (evidence only). Condition: Lymphoma. Review status: no classification provided. Collection method: in vitro. Allele origin: not applicable. Functional consequence: skipped exon, retained intron. Not counted in ClinVar's aggregate classification.

Dr. Peter K. Rogan Lab, Western University
No classification provided (evidence only). Condition: Ovarian cancer. Review status: no classification provided. Collection method: in vitro. Allele origin: not applicable. Functional consequence: retained intron. Not counted in ClinVar's aggregate classification.

Dr. Peter K. Rogan Lab, Western University
No classification provided (evidence only). Condition: Ovarian cancer. Review status: no classification provided. Collection method: in vitro. Allele origin: not applicable. Functional consequence: retained intron. Not counted in ClinVar's aggregate classification.